The following is an entry in ClinVar:

NM_018975.4(TERF2IP):c.524A>T (p.His175Leu)

Gene: TERF2IP (TERF2 interacting protein; plus strand). Cytogenetic location: 16q23.1.
Variant type: single nucleotide variant.
Coding change: c.524A>T on transcript NM_018975.4 (MANE Select); coding-DNA position 524, A replaced by T.
Protein change: p.His175Leu; replaces histidine 175 with leucine.
Molecular consequence: missense variant. On other transcripts: non-coding transcript variant (1).
Genome position (GRCh38, 1-based): chr16:75,648,406, A>T. VCF-style: chr16-75648406-A-T. GRCh37 (hg19) VCF-style: chr16-75682304-A-T.
Other names: short protein forms H175L.
Identifiers: ClinVar variation 2033674 (VCV002033674.4), dbSNP rs2507074627, ClinGen allele CA396818089.

ClinVar aggregate classification (germline): Uncertain significance (1 of 4 stars; one submission).

Submission:

Labcorp Genetics (formerly Invitae), Labcorp
Classification: Uncertain significance. Last evaluated: 2022-10-01. Review status: criteria provided, single submitter. Criteria: Invitae Variant Classification Sherloc (09022015). Collection method: clinical testing. Allele origin: germline.
Comment: Algorithms developed to predict the effect of missense changes on protein structure and function (SIFT, PolyPhen-2, Align-GVGD) all suggest that this variant is likely to be disruptive. This variant is not present in population databases (gnomAD no frequency). This variant has not been reported in the literature in individuals affected with TERF2IP-related conditions. This sequence change replaces histidine, which is basic and polar, with leucine, which is neutral and non-polar, at codon 175 of the TERF2IP protein (p.His175Leu). In summary, the available evidence is currently insufficient to determine the role of this variant in disease. Therefore, it has been classified as a Variant of Uncertain Significance.